The following is an entry in ClinVar:

NM_018136.5(ASPM):c.10060C>T (p.Arg3354Ter)

Gene: ASPM (assembly factor for spindle microtubules; minus strand). Cytogenetic location: 1q31.3.
Variant type: single nucleotide variant.
Coding change: c.10060C>T on transcript NM_018136.5 (MANE Select); coding-DNA position 10060, C replaced by T.
Protein change: p.Arg3354Ter; replaces arginine 3354 with a stop codon.
Molecular consequence: nonsense.
Genome position (GRCh38, 1-based): chr1:197,088,357, G>A on the plus strand (C>T on the coding strand, the complement: ASPM is on the minus strand). VCF-style: chr1-197088357-G-A. GRCh37 (hg19) VCF-style: chr1-197057487-G-A.
Other names: c.5305C>T, p.Arg1769Ter (NM_001206846.2); short protein forms R3354*, R1769*.
Identifiers: ClinVar variation 210343 (VCV000210343.12), dbSNP rs748529285, ClinGen allele CA277313.
Genomic context (GRCh38, chr1:197,088,357, plus strand): 5'-AACAAGTTTTTGTAAAAATGCTTCCGCCTTTGTCTGCAACTTTATTACCAGGCTTTTCTC[G>A]GTATATCTGCAAAAGCTCCAATAGTATATCTATACAATTTTCTACATCATAAACTGCTGA-3'

ClinVar aggregate classification (germline): Pathogenic/Likely pathogenic. Review status: criteria provided, multiple submitters, no conflicts (2 of 4 stars). 4 submissions from 4 submitters: Pathogenic (3); Likely pathogenic (1). Last evaluated 2025-09-17.

Conditions:
Microcephaly 5, primary, autosomal recessive (MCPH5). Also called: ASPM Primary Microcephaly. Identifiers: Orphanet 2512, MedGen C1837501, MONDO:0012106, OMIM 608716.

Allele frequency attached by ClinVar (database versions not stated): ExAC 0.00001; gnomAD 0.00001; TOPMed 0.00001.
gnomAD v4.1: 10 of 1,612,000 alleles (0.00062%); highest among the groups gnomAD compares: Admixed American, 0.0033%; no homozygotes.

Submissions (4):

GeneDx
Classification: Pathogenic. Last evaluated: 2025-09-17. Review status: criteria provided, single submitter. Criteria: GeneDx Variant Classification Process June 2021. Collection method: clinical testing. Allele origin: germline.
Comment: Reported previously in a patient with primary microcephaly who also harbored a second variant on the same allele (in cis) and a third variant on a different allele (in trans) (PMID: 20679666); Nonsense variant predicted to result in protein truncation or nonsense mediated decay in a gene for which loss of function is a known mechanism of disease; Not observed at significant frequency in large population cohorts (gnomAD); This variant is associated with the following publications: (PMID: 25525159, 25786579, 20679666, 38113582)

Labcorp Genetics (formerly Invitae), Labcorp
Classification: Pathogenic. Last evaluated: 2025-01-25. Review status: criteria provided, single submitter. Criteria: Invitae Variant Classification Sherloc (09022015). Collection method: clinical testing. Allele origin: germline.
Comment: This sequence change creates a premature translational stop signal (p.Arg3354*) in the ASPM gene. It is expected to result in an absent or disrupted protein product. Loss-of-function variants in ASPM are known to be pathogenic (PMID: 19028728, 23611254). This variant is present in population databases (rs748529285, gnomAD 0.006%). This premature translational stop signal has been observed in individual(s) with primary microcephaly (PMID: 20679666). ClinVar contains an entry for this variant (Variation ID: 210343). Algorithms developed to predict the effect of sequence changes on RNA splicing suggest that this variant may disrupt the consensus splice site. For these reasons, this variant has been classified as Pathogenic.

Genome-Nilou Lab
Classification: Likely pathogenic for Microcephaly 5, primary, autosomal recessive. Last evaluated: 2023-04-11. Review status: criteria provided, single submitter. Criteria: ACMG Guidelines, 2015. Collection method: clinical testing. Allele origin: germline. Affected: no.

Genetic Services Laboratory, University of Chicago
Classification: Pathogenic for Microcephaly 5, primary, autosomal recessive. Last evaluated: 2015-07-23. Review status: criteria provided, single submitter. Criteria: ACMG Guidelines, 2015. Collection method: clinical testing. Allele origin: germline. Affected: yes.

Literature cited by the submitters: PubMed 19028728 (cited by Labcorp Genetics (formerly Invitae), Labcorp); PubMed 23611254 (cited by Labcorp Genetics (formerly Invitae), Labcorp); PubMed 20679666 (cited by Labcorp Genetics (formerly Invitae), Labcorp).